The following is an entry in ClinVar:

NM_004174.4(SLC9A3):c.1234G>A (p.Gly412Arg)

Gene: SLC9A3 (solute carrier family 9 member A3). Cytogenetic location: 5p15.33.
Variant type: single nucleotide variant.
Coding change: c.1234G>A on transcript NM_004174.4 (MANE Select); coding-DNA position 1234, G replaced by A.
Protein change: p.Gly412Arg; replaces glycine 412 with arginine.
Molecular consequence: missense variant.
Genome position (GRCh38, 1-based): chr5:482,670, C>T on the plus strand (G>A on the coding strand, the complement: SLC9A3 is on the minus strand). VCF-style: chr5-482670-C-T. GRCh37 (hg19) VCF-style: chr5-482785-C-T.
Other names: c.1234G>A, p.Gly412Arg (NM_001284351.3); short protein forms G412R.
Identifiers: ClinVar variation 1363402 (VCV001363402.9), dbSNP rs144055277, ClinGen allele CA3176028.

ClinVar aggregate classification (germline): Uncertain significance. Review status: criteria provided, multiple submitters, no conflicts (2 of 4 stars). 2 submissions from 2 submitters: Uncertain significance (2). Last evaluated 2022-11-14.

Allele frequency attached by ClinVar (database versions not stated): gnomAD 0.00001; gnomAD exomes 0.00001; ExAC 0.00003; ESP Exome Variant Server 0.00008.
gnomAD v4.1: 22 of 1,612,434 alleles (0.0014%); highest among the groups gnomAD compares: South Asian, 0.0022%; no homozygotes.

Submissions (2):

Blueprint Genetics
Classification: Uncertain significance. Last evaluated: 2022-11-14. Review status: criteria provided, single submitter. Criteria: ACMG Guidelines, 2015. Collection method: clinical testing. Allele origin: germline.

Labcorp Genetics (formerly Invitae), Labcorp
Classification: Uncertain significance. Last evaluated: 2022-10-17. Review status: criteria provided, single submitter. Criteria: Invitae Variant Classification Sherloc (09022015). Collection method: clinical testing. Allele origin: germline.
Comment: In summary, the available evidence is currently insufficient to determine the role of this variant in disease. Therefore, it has been classified as a Variant of Uncertain Significance. Algorithms developed to predict the effect of sequence changes on RNA splicing suggest that this variant may create or strengthen a splice site. Advanced modeling of protein sequence and biophysical properties (such as structural, functional, and spatial information, amino acid conservation, physicochemical variation, residue mobility, and thermodynamic stability) performed at Invitae indicates that this missense variant is expected to disrupt SLC9A3 protein function. ClinVar contains an entry for this variant (Variation ID: 1363402). This variant has not been reported in the literature in individuals affected with SLC9A3-related conditions. This variant is present in population databases (rs144055277, gnomAD 0.007%). This sequence change replaces glycine, which is neutral and non-polar, with arginine, which is basic and polar, at codon 412 of the SLC9A3 protein (p.Gly412Arg).